The following is an entry in ClinVar:

NM_004064.5(CDKN1B):c.59A>C (p.Gln20Pro)

Gene: CDKN1B (cyclin dependent kinase inhibitor 1B; plus strand). Cytogenetic location: 12p13.1.
Variant type: single nucleotide variant.
Coding change: c.59A>C on transcript NM_004064.5 (MANE Select); coding-DNA position 59, A replaced by C.
Protein change: p.Gln20Pro; replaces glutamine 20 with proline.
Molecular consequence: missense variant.
Genome position (GRCh38, 1-based): chr12:12,717,898, A>C. VCF-style: chr12-12717898-A-C. GRCh37 (hg19) VCF-style: chr12-12870832-A-C.
Other names: short protein forms Q20P.
Identifiers: ClinVar variation 4633464 (VCV004633464.1).
Genomic context (GRCh38, chr12:12,717,898, plus strand): 5'-AGATGTCAAACGTGCGAGTGTCTAACGGGAGCCCTAGCCTGGAGCGGATGGACGCCAGGC[A>C]GGCGGAGCACCCCAAGCCCTCGGCCTGCAGGAACCTCTTCGGCCCGGTGGACCACGAAGA-3'
Protein context (NP_004055.1, residues 10-30): SPSLERMDAR[Gln20Pro]AEHPKPSACR

ClinVar aggregate classification (germline): Uncertain significance (1 of 4 stars; one submission).

Conditions:
Hereditary cancer-predisposing syndrome. Also called: Neoplastic Syndromes, Hereditary; Tumor predisposition; Hereditary Cancer Syndrome; Hereditary neoplastic syndrome. Identifiers: Orphanet 140162, MedGen C0027672, MeSH D009386, MONDO:0015356.

gnomAD v4.1: 1 of 1,614,094 alleles (0.000062%); highest among the groups gnomAD compares: Non-Finnish European, 0.000085%; no homozygotes.

Submission:

Ambry Genetics
Classification: Uncertain significance for Hereditary cancer-predisposing syndrome. Last evaluated: 2025-10-17. Review status: criteria provided, single submitter. Criteria: Ambry Variant Classification Scheme 2023. Collection method: clinical testing. Allele origin: germline.
Comment: The p.Q20P variant (also known as c.59A>C), located in coding exon 1 of the CDKN1B gene, results from an A to C substitution at nucleotide position 59. The glutamine at codon 20 is replaced by proline, an amino acid with similar properties. This amino acid position is conserved. In addition, this alteration is predicted to be tolerated by in silico analysis. Based on the available evidence, the clinical significance of this variant remains unclear.